The following is an entry in ClinVar:

NM_001130009.3(GEN1):c.2446A>G (p.Thr816Ala)

Gene: GEN1 (GEN1 structure-specific endonuclease; plus strand). Cytogenetic location: 2p24.2.
Variant type: single nucleotide variant.
Coding change: c.2446A>G on transcript NM_001130009.3 (MANE Select); coding-DNA position 2446, A replaced by G.
Protein change: p.Thr816Ala; replaces threonine 816 with alanine.
Molecular consequence: missense variant.
Genome position (GRCh38, 1-based): chr2:17,781,658, A>G. VCF-style: chr2-17781658-A-G. GRCh37 (hg19) VCF-style: chr2-17962925-A-G.
Other names: c.2446A>G, p.Thr816Ala (NM_182625.5); short protein forms T816A.
Identifiers: ClinVar variation 1003250 (VCV001003250.8), dbSNP rs1360872379, ClinGen allele CA345928064.

ClinVar aggregate classification (germline): Uncertain significance (1 of 4 stars; one submission).

Allele frequency attached by ClinVar (database versions not stated): gnomAD exomes below 0.00001 and 0.00001.

Submission:

Labcorp Genetics (formerly Invitae), Labcorp
Classification: Uncertain significance. Last evaluated: 2025-07-30. Review status: criteria provided, single submitter. Criteria: Invitae Variant Classification Sherloc (09022015). Collection method: clinical testing. Allele origin: germline.
Comment: This sequence change replaces threonine, which is neutral and polar, with alanine, which is neutral and non-polar, at codon 816 of the GEN1 protein (p.Thr816Ala). This variant is present in population databases (no rsID available, gnomAD 0.006%). This variant has not been reported in the literature in individuals affected with GEN1-related conditions. ClinVar contains an entry for this variant (Variation ID: 1003250). An algorithm developed to predict the effect of missense changes on protein structure and function outputs the following: PolyPhen-2: "Benign". The alanine amino acid residue is found in multiple mammalian species, which suggests that this missense change does not adversely affect protein function. In summary, the available evidence is currently insufficient to determine the role of this variant in disease. Therefore, it has been classified as a Variant of Uncertain Significance.